The following is an entry in ClinVar:

ClinVar aggregate classification (germline): Pathogenic. Review status: criteria provided, multiple submitters, no conflicts (2 of 4 stars). 6 submissions from 6 submitters: Pathogenic (3). 3 of the submissions do not count toward it. Last evaluated 2024-07-11.

Conditions:
BBS9-related disorder. Also called: BBS9-related condition.
Bardet-Biedl syndrome (BBS). Identifiers: Orphanet 110, MedGen C0752166, MONDO:0015229.
Bardet-Biedl syndrome 9 (BBS9). Identifiers: Orphanet 110, MedGen C1859567, MONDO:0014437, OMIM 615986.
Early onset severe obesity. Identifiers: MedGen C4013980.

gnomAD v4.1: 15 of 1,613,702 alleles (0.00093%); highest among the groups gnomAD compares: Non-Finnish European, 0.0013%; no homozygotes.

Submissions (6):

Cambridge Genomics Laboratory, East Genomic Laboratory Hub, NHS Genomic Medicine Service
Classification: Pathogenic for Severe early-onset obesity. Last evaluated: 2024-07-11. Review status: criteria provided, single submitter. Criteria: ACGS Best Practice Guidelines for Variant Classification in Rare Disease 2020. Collection method: clinical testing. Allele origin: germline. Affected: yes.
Comment: The p.Gln355Ter variant is novel (not in any individuals) in gnomAD All. The p.Gln355Ter variant is novel (not in any individuals) in 1kG All. The p.Gln355Ter variant is novel (not in any individuals) in gnomAD Genomes v3 All. (PM2 - Moderate) | This variant is a stop gained variant which occurs in an exon of BBS9 upstream of where nonsense mediated decay is predicted to occur. This variant has been previously classified as pathogenic, indicating that the region is critical to protein function. There are 56 downstream pathogenic loss of function variants, with the furthest variant being 498 residues downstream of this variant. This indicates that the region is critical to protein function. The p.Gln355Ter variant is a loss of function variant in the gene BBS9, which is intolerant of Loss of Function variants, as indicated by the presence of existing pathogenic loss of function variant NP_940820.1:p.W9* and 65 others. (PVS1 - Very Strong) | The variant is observed in trans (in a compound heterozygous state) with another pathogenic variant. (PM3_Supporting - Supporting) | The variant cosegregates with the disease in multiple affected family members. (PP1 - Supporting)

Labcorp Genetics (formerly Invitae), Labcorp
Classification: Pathogenic for Bardet-Biedl syndrome. Last evaluated: 2023-02-01. Review status: criteria provided, single submitter. Criteria: Invitae Variant Classification Sherloc (09022015). Collection method: clinical testing. Allele origin: germline.
Comment: This variant is not present in population databases (gnomAD no frequency). This sequence change creates a premature translational stop signal (p.Gln355*) in the BBS9 gene. It is expected to result in an absent or disrupted protein product. Loss-of-function variants in BBS9 are known to be pathogenic (PMID: 16380913, 20177705). This premature translational stop signal has been observed in individual(s) with Bardet-Biedl syndrome (PMID: 16380913, 31456290). It has also been observed to segregate with disease in related individuals. ClinVar contains an entry for this variant (Variation ID: 2660). For these reasons, this variant has been classified as Pathogenic.

GeneDx
Classification: Pathogenic. Last evaluated: 2022-10-12. Review status: criteria provided, single submitter. Criteria: GeneDx Variant Classification Process June 2021. Collection method: clinical testing. Allele origin: germline. Affected: yes.
Comment: Nonsense variant predicted to result in protein truncation or nonsense mediated decay in a gene for which loss of function is a known mechanism of disease; Not observed at significant frequency in large population cohorts (gnomAD); This variant is associated with the following publications: (PMID: 25525159, 31456290, 16380913)

PreventionGenetics, part of Exact Sciences
Classification: Pathogenic for BBS9-related condition. Last evaluated: 2024-04-01. Review status: no assertion criteria provided. Collection method: clinical testing. Allele origin: germline. Not counted in ClinVar's aggregate classification.
Comment: The BBS9 c.1063C>T variant is predicted to result in premature protein termination (p.Gln355*). This variant has been reported in the homozygous state in two siblings with Bardet-Biedl syndrome (BBS, Nishimura et al. 2005. PubMed ID: 16380913). It has also been reported in 2 additional families with BBS, but no clinical details were provided (Sharon et al. 2019. PubMed ID: 31456290).This variant has not been reported in a large population database, indicating this variant is rare. Nonsense variants in BBS9 are expected to be pathogenic. This variant is interpreted as pathogenic.

Sharon lab, Hadassah-Hebrew University Medical Center
Classification: Pathogenic for Bardet-Biedl syndrome. Last evaluated: 2019-06-23. Review status: no assertion criteria provided. Collection method: research. Allele origin: inherited. Affected: yes. Not counted in ClinVar's aggregate classification.

OMIM
Classification: Pathogenic for BARDET-BIEDL SYNDROME 9. Last evaluated: 2005-12-01. Review status: no assertion criteria provided. Collection method: literature only. Allele origin: germline. Not counted in ClinVar's aggregate classification.

Literature cited by the submitters: PubMed 16380913 (cited by Labcorp Genetics (formerly Invitae), Labcorp and OMIM); PubMed 20177705 (cited by Labcorp Genetics (formerly Invitae), Labcorp); PubMed 31456290 (cited by Labcorp Genetics (formerly Invitae), Labcorp).

NM_198428.3(BBS9):c.1063C>T (p.Gln355Ter)

Gene: BBS9 (Bardet-Biedl syndrome 9; plus strand). Cytogenetic location: 7p14.3.
Variant type: single nucleotide variant.
Coding change: c.1063C>T on transcript NM_198428.3 (MANE Select); coding-DNA position 1063, C replaced by T.
Protein change: p.Gln355Ter; replaces glutamine 355 with a stop codon.
Molecular consequence: nonsense. On other transcripts: non-coding transcript variant (3).
Genome position (GRCh38, 1-based): chr7:33,336,487, C>T. VCF-style: chr7-33336487-C-T. GRCh37 (hg19) VCF-style: chr7-33376099-C-T.
Other names: c.1063C>T (NM_198428.2); c.1063C>T, p.Gln355Ter (NM_001033604.2, NM_001033605.2, NM_001348036.1 and 5 more transcripts); c.697C>T, p.Gln233Ter (NM_001348037.3, NM_001348044.3, NM_001348045.3 and 1 more transcripts); c.790C>T, p.Gln264Ter (NM_001348038.3, NM_001348039.3); c.928C>T, p.Gln310Ter (NM_001348042.3); short protein forms Q355*, Q233*, Q264*, Q310*.
Identifiers: ClinVar variation 2660 (VCV000002660.10), dbSNP rs137852858, ClinGen allele CA252388.